The following is an entry in ClinVar:

ClinVar aggregate classification (germline): Uncertain significance (1 of 4 stars; one submission).

Allele frequency attached by ClinVar (database versions not stated): 1000 Genomes Project 30x 0.00047; ExAC 0.00003; gnomAD exomes 0.00006; gnomAD 0.00007; TOPMed 0.00010; 1000 Genomes Project 0.00040.
gnomAD v4.1: 97 of 1,613,918 alleles (0.006%); highest among the groups gnomAD compares: Admixed American, 0.032%; no homozygotes.

Submissions (2):

Labcorp Genetics (formerly Invitae), Labcorp
Classification: Uncertain significance. Last evaluated: 2022-08-01. Review status: criteria provided, single submitter. Criteria: Invitae Variant Classification Sherloc (09022015). Collection method: clinical testing. Allele origin: germline.
Comment: This sequence change affects codon 93 of the TRAIP mRNA. It is a 'silent' change, meaning that it does not change the encoded amino acid sequence of the TRAIP protein. It affects a nucleotide within the consensus splice site. This variant is present in population databases (rs200749327, gnomAD 0.01%). This variant has not been reported in the literature in individuals affected with TRAIP-related conditions. Algorithms developed to predict the effect of sequence changes on RNA splicing suggest that this variant may disrupt the consensus splice site. In summary, the available evidence is currently insufficient to determine the role of this variant in disease. Therefore, it has been classified as a Variant of Uncertain Significance.

Dr. Peter K. Rogan Lab, Western University
No classification provided (evidence only). Condition: Cervical cancer. Review status: no classification provided. Collection method: in vitro. Allele origin: not applicable. Functional consequence: retained intron. Not counted in ClinVar's aggregate classification.

NM_005879.3(TRAIP):c.279A>G (p.Lys93=)

Gene: TRAIP (TRAF interacting protein; minus strand). Cytogenetic location: 3p21.31.
Variant type: single nucleotide variant.
Coding change: c.279A>G on transcript NM_005879.3 (MANE Select); coding-DNA position 279, A replaced by G.
Protein change: p.Lys93=; no amino-acid change (lysine 93 retained).
Molecular consequence: synonymous variant.
Genome position (GRCh38, 1-based): chr3:49,844,542, T>C on the plus strand (A>G on the coding strand, the complement: TRAIP is on the minus strand). VCF-style: chr3-49844542-T-C. GRCh37 (hg19) VCF-style: chr3-49881975-T-C.
Identifiers: ClinVar variation 2066189 (VCV002066189.2), dbSNP rs200749327, ClinGen allele CA2407893.